The following is an entry in ClinVar:

NM_004999.4(MYO6):c.2218A>G (p.Lys740Glu)

Gene: MYO6 (myosin VI; plus strand). Cytogenetic location: 6q14.1.
Variant type: single nucleotide variant.
Coding change: c.2218A>G on transcript NM_004999.4 (MANE Select); coding-DNA position 2218, A replaced by G.
Protein change: p.Lys740Glu; replaces lysine 740 with glutamic acid.
Molecular consequence: missense variant. On other transcripts: non-coding transcript variant (1).
Genome position (GRCh38, 1-based): chr6:75,880,052, A>G. VCF-style: chr6-75880052-A-G. GRCh37 (hg19) VCF-style: chr6-76589769-A-G.
Other names: c.2218A>G, p.Lys740Glu (NM_001300899.2, NM_001368136.1, NM_001368137.1 and 2 more transcripts); c.2203A>G, p.Lys735Glu (NM_001368138.1); short protein forms K735E, K740E.
Identifiers: ClinVar variation 1515889 (VCV001515889.8), dbSNP rs2149343921, ClinGen allele CA364772853.
Genomic context (GRCh38, chr6:75,880,052, plus strand): 5'-TGTCTTTTCTATTAATAATTGACATTTAACTTTTTAACTTTTATTTTTCAGGCTTTGTTT[A>G]AAGCTTTGGGCTTAAATGAAAATGACTACAAGTTTGGGTTAACCAAAGTATTTTTTAGAC-3'
Protein context (NP_004990.3, residues 730-750): DPRLFCKALF[Lys740Glu]ALGLNENDYK

ClinVar aggregate classification (germline): Uncertain significance (1 of 4 stars; one submission).

Submission:

Labcorp Genetics (formerly Invitae), Labcorp
Classification: Uncertain significance. Last evaluated: 2023-08-10. Review status: criteria provided, single submitter. Criteria: Invitae Variant Classification Sherloc (09022015). Collection method: clinical testing. Allele origin: germline.
Comment: In summary, the available evidence is currently insufficient to determine the role of this variant in disease. Therefore, it has been classified as a Variant of Uncertain Significance. Advanced modeling of protein sequence and biophysical properties (such as structural, functional, and spatial information, amino acid conservation, physicochemical variation, residue mobility, and thermodynamic stability) performed at Invitae indicates that this missense variant is not expected to disrupt MYO6 protein function. ClinVar contains an entry for this variant (Variation ID: 1515889). This variant has not been reported in the literature in individuals affected with MYO6-related conditions. This variant is not present in population databases (gnomAD no frequency). This sequence change replaces lysine, which is basic and polar, with glutamic acid, which is acidic and polar, at codon 740 of the MYO6 protein (p.Lys740Glu).